The following is an entry in ClinVar:

ClinVar aggregate classification (germline): Uncertain significance (1 of 4 stars; one submission).

Conditions:
Nephronophthisis. Also called: Juvenile Nephronophthisis. Identifiers: Orphanet 655, MedGen C0687120, MONDO:0019005, HP:0000090.

Submission:

Labcorp Genetics (formerly Invitae), Labcorp
Classification: Uncertain significance for Nephronophthisis. Last evaluated: 2021-11-01. Review status: criteria provided, single submitter. Criteria: Invitae Variant Classification Sherloc (09022015). Collection method: clinical testing. Allele origin: germline.
Comment: In summary, the available evidence is currently insufficient to determine the role of this variant in disease. Therefore, it has been classified as a Variant of Uncertain Significance. Algorithms developed to predict the effect of missense changes on protein structure and function are either unavailable or do not agree on the potential impact of this missense change (SIFT: "Deleterious"; PolyPhen-2: "Probably Damaging"; Align-GVGD: "Class C0"). This variant has not been reported in the literature in individuals affected with IQCB1-related conditions. This variant is not present in population databases (gnomAD no frequency). This sequence change replaces glutamine, which is neutral and polar, with histidine, which is basic and polar, at codon 309 of the IQCB1 protein (p.Gln309His).

NM_001023570.4(IQCB1):c.927G>C (p.Gln309His)

Gene: IQCB1 (IQ motif containing B1; minus strand). Cytogenetic location: 3q13.33.
Variant type: single nucleotide variant.
Coding change: c.927G>C on transcript NM_001023570.4 (MANE Select); coding-DNA position 927, G replaced by C.
Protein change: p.Gln309His; replaces glutamine 309 with histidine.
Molecular consequence: missense variant. On other transcripts: intron variant (1).
Genome position (GRCh38, 1-based): chr3:121,795,516, C>G on the plus strand (G>C on the coding strand, the complement: IQCB1 is on the minus strand). VCF-style: chr3-121795516-C-G. GRCh37 (hg19) VCF-style: chr3-121514363-C-G.
Other names: c.927G>C, p.Gln309His (NM_001319107.2); c.588-5301G>C (NM_001023571.4); short protein forms Q309H.
Identifiers: ClinVar variation 1390664 (VCV001390664.6), dbSNP rs2108561479, ClinGen allele CA354119441.